The following is an entry in ClinVar:

ClinVar aggregate classification (germline): Uncertain significance (1 of 4 stars; one submission).

Conditions:
Familial cold autoinflammatory syndrome 2 (FCAS2). Identifiers: Orphanet 247868, MedGen C2673198, MONDO:0012724, OMIM 611762.

Submission:

Labcorp Genetics (formerly Invitae), Labcorp
Classification: Uncertain significance for Familial cold autoinflammatory syndrome 2. Last evaluated: 2025-09-15. Review status: criteria provided, single submitter. Criteria: Invitae Variant Classification Sherloc (09022015). Collection method: clinical testing. Allele origin: germline.
Comment: This sequence change replaces leucine, which is neutral and non-polar, with proline, which is neutral and non-polar, at codon 876 of the NLRP12 protein (p.Leu876Pro). This variant is not present in population databases (gnomAD no frequency). This variant has not been reported in the literature in individuals affected with NLRP12-related conditions. An algorithm developed to predict the effect of missense changes on protein structure and function (PolyPhen-2) suggests that this variant is likely to be disruptive. In summary, the available evidence is currently insufficient to determine the role of this variant in disease. Therefore, it has been classified as a Variant of Uncertain Significance.

NM_144687.4(NLRP12):c.2627T>C (p.Leu876Pro)

Gene: NLRP12 (NLR family pyrin domain containing 12; minus strand). Cytogenetic location: 19q13.42.
Variant type: single nucleotide variant.
Coding change: c.2627T>C on transcript NM_144687.4 (MANE Select); coding-DNA position 2627, T replaced by C.
Protein change: p.Leu876Pro; replaces leucine 876 with proline.
Molecular consequence: missense variant.
Genome position (GRCh38, 1-based): chr19:53,801,356, A>G on the plus strand (T>C on the coding strand, the complement: NLRP12 is on the minus strand). VCF-style: chr19-53801356-A-G. GRCh37 (hg19) VCF-style: chr19-54304610-A-G.
Other names: c.2630T>C, p.Leu877Pro (NM_001277126.2); c.2627T>C, p.Leu876Pro (NM_001277129.1); short protein forms L876P, L877P.
Identifiers: ClinVar variation 4727239 (VCV004727239.1).